The following is an entry in ClinVar:

NM_000059.4(BRCA2):c.3712G>C (p.Val1238Leu)

Gene: BRCA2 (BRCA2 DNA repair associated; plus strand). Cytogenetic location: 13q13.1.
Variant type: single nucleotide variant.
Coding change: c.3712G>C on transcript NM_000059.4 (MANE Select); coding-DNA position 3712, G replaced by C.
Protein change: p.Val1238Leu; replaces valine 1238 with leucine.
Molecular consequence: missense variant. On other transcripts: non-coding transcript variant (1), intron variant (2).
Genome position (GRCh38, 1-based): chr13:32,338,067, G>C. VCF-style: chr13-32338067-G-C. GRCh37 (hg19) VCF-style: chr13-32912204-G-C.
Other names: c.3712G>C, p.Val1238Leu (NM_001406719.1, NM_001406720.1, NM_001432077.1); c.1909+4680G>C (NM_001406721.1); c.425-6491G>C (NM_001406722.1); short protein forms V1238L.
Identifiers: ClinVar variation 3630399 (VCV003630399.3).
Genomic context (GRCh38, chr13:32,338,067, plus strand): 5'-GGCTTTTATTCTGCTCATGGCACAAAACTGAATGTTTCTACTGAAGCTCTGCAAAAAGCT[G>C]TGAAACTGTTTAGTGATATTGAGAATATTAGTGAGGAAACTTCTGCAGAGGTACATCCAA-3'
Protein context (NP_000050.3, residues 1228-1248): NVSTEALQKA[Val1238Leu]KLFSDIENIS

ClinVar aggregate classification (germline): Uncertain significance. Review status: criteria provided, multiple submitters, no conflicts (2 of 4 stars). 2 submissions from 2 submitters: Uncertain significance (2). Last evaluated 2026-06-29.

Conditions:
Hereditary breast ovarian cancer syndrome. Also called: Hereditary breast and ovarian cancer syndrome (HBOC); Hereditary breast and ovarian cancer syndrome; Breast and ovarian cancer; Hereditary breast and/or ovarian cancer syndrome; Hereditary breast and ovarian cancer; BRCA1- and BRCA2-Associated Hereditary Breast and Ovarian Cancer. Identifiers: Orphanet 145, MedGen C0677776, MeSH D061325, MONDO:0003582. Disease mechanism: loss of function.
Hereditary cancer-predisposing syndrome. Also called: Hereditary neoplastic syndrome; Neoplastic Syndromes, Hereditary; Tumor predisposition; Hereditary Cancer Syndrome. Identifiers: Orphanet 140162, MedGen C0027672, MeSH D009386, MONDO:0015356.

Submissions (2):

Ambry Genetics
Classification: Uncertain significance for Hereditary cancer-predisposing syndrome. Last evaluated: 2026-06-29. Review status: criteria provided, single submitter. Criteria: Ambry Variant Classification Scheme 2023. Collection method: clinical testing. Allele origin: germline.
Comment: The p.V1238L variant (also known as c.3712G>C), located in coding exon 10 of the BRCA2 gene, results from a G to C substitution at nucleotide position 3712. The valine at codon 1238 is replaced by leucine, an amino acid with highly similar properties. This amino acid position is poorly conserved in available vertebrate species. In addition, this alteration is predicted to be tolerated by in silico analysis. Based on the available evidence, the clinical significance of this variant remains unclear.

Labcorp Genetics (formerly Invitae), Labcorp
Classification: Uncertain significance for Hereditary breast ovarian cancer syndrome. Last evaluated: 2024-11-06. Review status: criteria provided, single submitter. Criteria: Invitae Variant Classification Sherloc (09022015). Collection method: clinical testing. Allele origin: germline.
Comment: This sequence change replaces valine, which is neutral and non-polar, with leucine, which is neutral and non-polar, at codon 1238 of the BRCA2 protein (p.Val1238Leu). This variant is not present in population databases (gnomAD no frequency). This variant has not been reported in the literature in individuals affected with BRCA2-related conditions. Invitae Evidence Modeling of protein sequence and biophysical properties (such as structural, functional, and spatial information, amino acid conservation, physicochemical variation, residue mobility, and thermodynamic stability) indicates that this missense variant is not expected to disrupt BRCA2 protein function with a negative predictive value of 95%. In summary, the available evidence is currently insufficient to determine the role of this variant in disease. Therefore, it has been classified as a Variant of Uncertain Significance.